The following is an entry in ClinVar:

ClinVar aggregate classification (germline): Uncertain significance (1 of 4 stars; one submission).

Conditions:
Ornithine carbamoyltransferase deficiency (OTCD). Also called: OTC DEFICIENCY; Ornithine Carbamoyltransferase Deficiency Disease; ORNITHINE TRANSCARBAMYLASE DEFICIENCY; ORNITHINE TRANSCARBAMYLASE DEFICIENCY, HYPERAMMONEMIA DUE TO. Identifiers: Orphanet 664, MedGen C0268542, MONDO:0010703, OMIM 311250.

Submission:

All of Us Research Program, National Institutes of Health
Classification: Uncertain significance for Ornithine carbamoyltransferase deficiency. Last evaluated: 2023-04-10. Review status: criteria provided, single submitter. Criteria: ACMG Guidelines, 2015. Collection method: clinical testing. Allele origin: germline. Inheritance: X-linked inheritance. Observed: 1 variant allele, 1 homozygote.
Comment: This missense variant replaces alanine with valine at codon 135 of the OTC protein. Computational prediction suggests that this variant may not impact protein structure and function (internally defined REVEL score threshold <= 0.5, PMID: 27666373). To our knowledge, functional studies have not been reported for this variant. This variant has not been reported in individuals affected with ornithine carbamoyltransferase deficiency in the literature. This variant has not been identified in the general population by the Genome Aggregation Database (gnomAD). The available evidence is insufficient to determine the role of this variant in disease conclusively. Therefore, this variant is classified as a Variant of Uncertain Significance.

This study involves interpretation of variants in research participants for the purpose of population health screening. Participant phenotype was not available at the time of variant classification. Additional details can be found in publication PMID: 35346344, PMCID: PMC8962531

NM_000531.6(OTC):c.404C>T (p.Ala135Val)

Gene: OTC (ornithine transcarbamylase; plus strand). Cytogenetic location: Xp11.4.
Variant type: single nucleotide variant.
Coding change: c.404C>T on transcript NM_000531.6 (MANE Select); coding-DNA position 404, C replaced by T.
Protein change: p.Ala135Val; replaces alanine 135 with valine.
Molecular consequence: missense variant.
Genome position (GRCh38, 1-based): chrX:38,401,292, C>T. VCF-style: chrX-38401292-C-T. GRCh37 (hg19) VCF-style: chrX-38260545-C-T.
Other names: c.404C>T, p.Ala135Val (NM_001407092.1); short protein forms A135V.
Identifiers: ClinVar variation 3070459 (VCV003070459.1), dbSNP rs72556256, ClinGen allele CA412723002.